The following is an entry in ClinVar:

ClinVar aggregate classification (germline): Likely pathogenic (1 of 4 stars; one submission).

Conditions:
Autosomal recessive polycystic kidney disease (ARPKD). Also called: AR polycystic kidney disease. Identifiers: Orphanet 731, Orphanet 8378, MedGen C0085548, MeSH D017044, MONDO:0009889.

Submission:

Natera, Inc.
Classification: Likely pathogenic for Autosomal recessive polycystic kidney disease. Last evaluated: 2024-04-08. Review status: criteria provided, single submitter. Criteria: Natera Variant Classification Schema (03/2026). Collection method: clinical testing. Allele origin: germline.
Comment: The c.5458delG variant in PKHD1 is a frameshift variant predicted to shift the reading frame beginning at codon 1820 and leads to a stop codon 2 codons downstream. This variant is expected to result in nonsense mediated decay, truncation, or a dysfunctional protein product. This variant is rare in the general population with a frequency below the threshold expected for the associated phenotype(s). Given the available evidence, this variant is classified as Likely Pathogenic.

NM_138694.4(PKHD1):c.5458del (p.Asp1820fs)

Gene: PKHD1 (PKHD1 ciliary IPT domain containing fibrocystin/polyductin; minus strand). Cytogenetic location: 6p12.2.
Variant type: Deletion.
Coding change: c.5458del on transcript NM_138694.4 (MANE Select); coding-DNA position 5458, one base deleted (G; older notation c.5458delG).
Protein change: p.Asp1820fs; shifts the reading frame from aspartic acid 1820.
Molecular consequence: frameshift variant.
Genome position (GRCh38, 1-based): chr6:52,017,552, C deleted on the plus strand (G on the coding strand, the reverse complement: PKHD1 is on the minus strand). VCF-style (leftmost placement, unchanged base first): chr6-52017551-TC-T. GRCh37 (hg19) VCF-style: chr6-51882349-TC-T.
Other names: c.5458del, p.Asp1820fs (NM_170724.3); short protein forms D1820fs.
Identifiers: ClinVar variation 4816696 (VCV004816696.1).